The following is an entry in ClinVar:

NM_024818.6(UBA5):c.126del (p.Lys42_Met43insTer)

Genes: NPHP3-ACAD11 (NPHP3-ACAD11 readthrough (NMD candidate); minus strand), UBA5 (ubiquitin like modifier activating enzyme 5; plus strand), LOC129937585 (ATAC-STARR-seq lymphoblastoid active region 20539; plus strand). Cytogenetic location: 3q22.1.
Variant type: Deletion.
Coding change: c.126del on transcript NM_024818.6 (MANE Select); coding-DNA position 126, one base deleted (G; older notation c.126delG).
Protein change: p.Lys42_Met43insTer.
Molecular consequence: frameshift variant. On other transcripts: 5 prime UTR variant (3), intron variant (1).
Genome position (GRCh38, 1-based): chr3:132,660,663, G deleted. VCF-style (leftmost placement, unchanged base first): chr3-132660662-AG-A. GRCh37 (hg19) VCF-style: chr3-132379506-AG-A.
Other names: c.-393del (NM_001320210.2); c.-359del (NM_001321238.2); c.-75del (NM_001321239.1); c.-7-5160del (NM_198329.4).
Identifiers: ClinVar variation 3683148 (VCV003683148.3).

ClinVar aggregate classification (germline): Pathogenic. Review status: criteria provided, multiple submitters, no conflicts (2 of 4 stars). 2 submissions from 2 submitters: Pathogenic (2). Last evaluated 2024-07-31.

Conditions:
Intellectual disability. Also called: Intellectual developmental disorder; Intellectual functioning disability; intellectual disabilities. Identifiers: MedGen C3714756, MeSH D008607, MONDO:0001071, HP:0001249.

Submissions (2):

Labcorp Genetics (formerly Invitae), Labcorp
Classification: Pathogenic. Last evaluated: 2024-07-31. Review status: criteria provided, single submitter. Criteria: Invitae Variant Classification Sherloc (09022015). Collection method: clinical testing. Allele origin: germline.
Comment: This sequence change creates a premature translational stop signal (p.Met43*) in the UBA5 gene. It is expected to result in an absent or disrupted protein product. Loss-of-function variants in UBA5 are known to be pathogenic (PMID: 27545674, 27545681). This variant is not present in population databases (gnomAD no frequency). This variant has not been reported in the literature in individuals affected with UBA5-related conditions. For these reasons, this variant has been classified as Pathogenic.

Cambridge Genomics Laboratory, East Genomic Laboratory Hub, NHS Genomic Medicine Service
Classification: Pathogenic for Intellectual disability. Last evaluated: 2019-07-23. Review status: criteria provided, single submitter. Criteria: ACGS Best Practice Guidelines for Variant Classification in Rare Disease 2020. Collection method: clinical testing. Allele origin: germline. Affected: yes. Observed: 1 variant allele.

Literature cited by the submitters: PubMed 27545674 (cited by Labcorp Genetics (formerly Invitae), Labcorp); PubMed 27545681 (cited by Labcorp Genetics (formerly Invitae), Labcorp).